The following is an entry in ClinVar:

NM_022552.5(DNMT3A):c.897A>G (p.Lys299=)

Gene: DNMT3A (DNA methyltransferase 3 alpha; minus strand). Cytogenetic location: 2p23.3.
Variant type: single nucleotide variant.
Coding change: c.897A>G on transcript NM_022552.5 (MANE Select); coding-DNA position 897, A replaced by G.
Protein change: p.Lys299=; no amino-acid change (lysine 299 retained).
Molecular consequence: synonymous variant. On other transcripts: non-coding transcript variant (1).
Genome position (GRCh38, 1-based): chr2:25,247,708, T>C on the plus strand (A>G on the coding strand, the complement: DNMT3A is on the minus strand). VCF-style: chr2-25247708-T-C. GRCh37 (hg19) VCF-style: chr2-25470577-T-C.
Other names: c.441A>G, p.Lys147= (NM_001320893.1); c.228A>G, p.Lys76= (NM_001375819.1); c.330A>G, p.Lys110= (NM_153759.3); c.897A>G, p.Lys299= (NM_175629.2).
Identifiers: ClinVar variation 3841740 (VCV003841740.2).

ClinVar aggregate classification (germline): Likely benign. Review status: criteria provided, multiple submitters, no conflicts (2 of 4 stars). 2 submissions from 2 submitters: Likely benign (2). Last evaluated 2026-01-29.

Conditions:
Inborn genetic diseases. Identifiers: MedGen C0950123, MeSH D030342.
DNMT3A-related disorder. Also called: DNMT3A-related disorders; DNMT3A-related condition.

gnomAD v4.1: 10 of 1,610,700 alleles (0.00062%); highest among the groups gnomAD compares: Non-Finnish European, 0.00085%; no homozygotes.

Submissions (2):

PreventionGenetics, part of Exact Sciences
Classification: Likely benign for DNMT3A-related condition. Last evaluated: 2026-01-29. Review status: criteria provided, single submitter. Criteria: ACMG Guidelines, 2015. Collection method: clinical testing. Allele origin: germline.
Comment: This variant is classified as likely benign based on ACMG/AMP sequence variant interpretation guidelines (Richards et al. 2015 PMID: 25741868, with internal and published modifications).

Ambry Genetics
Classification: Likely benign for Inborn genetic diseases. Last evaluated: 2024-12-20. Review status: criteria provided, single submitter. Criteria: Ambry Variant Classification Scheme 2023. Collection method: clinical testing. Allele origin: germline.